The following is an entry in ClinVar:

NM_001690.4(ATP6V1A):c.989-3T>C

Gene: ATP6V1A (ATPase H+ transporting V1 subunit A; plus strand). Cytogenetic location: 3q13.31.
Variant type: single nucleotide variant.
Coding change: c.989-3T>C on transcript NM_001690.4 (MANE Select); 3 bases into the intron before coding-DNA position 989, T replaced by C.
Molecular consequence: intron variant.
Genome position (GRCh38, 1-based): chr3:113,794,869, T>C. VCF-style: chr3-113794869-T-C. GRCh37 (hg19) VCF-style: chr3-113513716-T-C.
Identifiers: ClinVar variation 3008595 (VCV003008595.3), dbSNP rs777843890, ClinGen allele CA81628168.

ClinVar aggregate classification (germline): Uncertain significance (1 of 4 stars; one submission).

Allele frequency attached by ClinVar (database versions not stated): gnomAD 0.00003; gnomAD exomes 0.00003; TOPMed 0.00003.
gnomAD v4.1: 50 of 1,599,104 alleles (0.0031%); highest among the groups gnomAD compares: Non-Finnish European, 0.0039%; no homozygotes.

Submission:

Labcorp Genetics (formerly Invitae), Labcorp
Classification: Uncertain significance. Last evaluated: 2023-07-03. Review status: criteria provided, single submitter. Criteria: Invitae Variant Classification Sherloc (09022015). Collection method: clinical testing. Allele origin: germline.
Comment: This sequence change falls in intron 8 of the ATP6V1A gene. It does not directly change the encoded amino acid sequence of the ATP6V1A protein. It affects a nucleotide within the consensus splice site. The frequency data for this variant in the population databases is considered unreliable, as metrics indicate poor data quality at this position in the gnomAD database. This variant has not been reported in the literature in individuals affected with ATP6V1A-related conditions. Variants that disrupt the consensus splice site are a relatively common cause of aberrant splicing (PMID: 17576681, 9536098). Algorithms developed to predict the effect of sequence changes on RNA splicing suggest that this variant is not likely to affect RNA splicing. In summary, the available evidence is currently insufficient to determine the role of this variant in disease. Therefore, it has been classified as a Variant of Uncertain Significance.

Literature cited by the submitters: PubMed 17576681; PubMed 9536098.